The following is an entry in ClinVar:

NM_006939.4(SOS2):c.1311G>C (p.Gln437His)

Gene: SOS2 (SOS Ras/Rho guanine nucleotide exchange factor 2; minus strand). Cytogenetic location: 14q21.3.
Variant type: single nucleotide variant.
Coding change: c.1311G>C on transcript NM_006939.4 (MANE Select); coding-DNA position 1311, G replaced by C.
Protein change: p.Gln437His; replaces glutamine 437 with histidine.
Molecular consequence: missense variant.
Genome position (GRCh38, 1-based): chr14:50,159,972, C>G on the plus strand (G>C on the coding strand, the complement: SOS2 is on the minus strand). VCF-style: chr14-50159972-C-G. GRCh37 (hg19) VCF-style: chr14-50626690-C-G.
Other names: c.1212G>C, p.Gln404His (NM_001411020.1); short protein forms Q437H, Q404H.
Identifiers: ClinVar variation 3636091 (VCV003636091.2).
Genomic context (GRCh38, chr14:50,159,972, plus strand): 5'-CCGTTCATGTTTGGCACCGATTCTTGTCAATGGTCCCTCCATAATGAATTCATTACAACA[C>G]TGTCCAATATCTTTGCCTTCCCATCCATCGATATTTTTCTGAATTTCATTCATTTTTTTG-3'
Protein context (NP_008870.2, residues 427-447): IDGWEGKDIG[Gln437His]CCNEFIMEGP

ClinVar aggregate classification (germline): Uncertain significance (1 of 4 stars; one submission).

Conditions:
Noonan syndrome 9 (NS9). Identifiers: Orphanet 648, MedGen C4225282, MONDO:0014691, OMIM 616559.

gnomAD v4.1: 1 of 1,614,016 alleles (0.000062%); highest among the groups gnomAD compares: Non-Finnish European, 0.000085%; no homozygotes.

Submission:

Labcorp Genetics (formerly Invitae), Labcorp
Classification: Uncertain significance for Noonan syndrome 9. Last evaluated: 2025-09-03. Review status: criteria provided, single submitter. Criteria: Invitae Variant Classification Sherloc (09022015). Collection method: clinical testing. Allele origin: germline.
Comment: This sequence change replaces glutamine, which is neutral and polar, with histidine, which is basic and polar, at codon 437 of the SOS2 protein (p.Gln437His). This variant is not present in population databases (gnomAD no frequency). This variant has not been reported in the literature in individuals affected with SOS2-related conditions. ClinVar contains an entry for this variant (Variation ID: 3636091). Invitae Evidence Modeling of protein sequence and biophysical properties (such as structural, functional, and spatial information, amino acid conservation, physicochemical variation, residue mobility, and thermodynamic stability) has been performed for this missense variant. However, the output from this modeling did not meet the statistical confidence thresholds required to predict the impact of this variant on SOS2 protein function. In summary, the available evidence is currently insufficient to determine the role of this variant in disease. Therefore, it has been classified as a Variant of Uncertain Significance.